The following is an entry in ClinVar:

ClinVar aggregate classification (germline): Conflicting classifications of pathogenicity. Review status: criteria provided, conflicting classifications (1 of 4 stars). 3 submissions from 3 submitters: Uncertain significance (1); Likely benign (1). 1 of the submissions does not count toward it. Last evaluated 2023-03-04.

Conditions:
COMP-related disorder. Also called: COMP-related disorders; COMP-related condition.

Allele frequency attached by ClinVar (database versions not stated): gnomAD exomes below 0.00001 and 0.00001; TOPMed below 0.00001; ExAC 0.00001.
gnomAD v4.1: 5 of 1,613,164 alleles (0.00031%); highest among the groups gnomAD compares: Non-Finnish European, 0.00042%; no homozygotes.

Submissions (3):

Labcorp Genetics (formerly Invitae), Labcorp
Classification: Likely benign. Last evaluated: 2023-03-04. Review status: criteria provided, single submitter. Criteria: Invitae Variant Classification Sherloc (09022015). Collection method: clinical testing. Allele origin: germline.

Blueprint Genetics
Classification: Uncertain significance. Last evaluated: 2017-12-28. Review status: criteria provided, single submitter. Criteria: ACMG Guidelines, 2015. Collection method: clinical testing. Allele origin: germline.

PreventionGenetics, part of Exact Sciences
Classification: Likely benign for COMP-related condition. Last evaluated: 2020-10-15. Review status: no assertion criteria provided. Collection method: clinical testing. Allele origin: germline. Not counted in ClinVar's aggregate classification.
Comment: This variant is classified as likely benign based on ACMG/AMP sequence variant interpretation guidelines (Richards et al. 2015 PMID: 25741868, with internal and published modifications).

NM_000095.3(COMP):c.1563G>A (p.Pro521=)

Gene: COMP (cartilage oligomeric matrix protein; minus strand). Cytogenetic location: 19p13.11.
Variant type: single nucleotide variant.
Coding change: c.1563G>A on transcript NM_000095.3 (MANE Select); coding-DNA position 1563, G replaced by A.
Protein change: p.Pro521=; no amino-acid change (proline 521 retained).
Molecular consequence: synonymous variant.
Genome position (GRCh38, 1-based): chr19:18,785,778, C>T on the plus strand (G>A on the coding strand, the complement: COMP is on the minus strand). VCF-style: chr19-18785778-C-T. GRCh37 (hg19) VCF-style: chr19-18896588-C-T.
Identifiers: ClinVar variation 1224307 (VCV001224307.7), dbSNP rs756075225, ClinGen allele CA9316358.
Genomic context (GRCh38, chr19:18,785,778, plus strand): 5'-CGGGTCCAGCACGACTGTCTGGAAGGCCCTGAAGTCGGTGAGCGTGACTTCAGCGTTCTC[C>T]GGACACACGTCGATCTTGTCTACCACCTTGTCTGCATCAAAGTCGTCCTGGCACACGTCG-3'
Protein context (NP_000086.2, residues 511-531): DKVVDKIDVC[Pro521=]ENAEVTLTDF